The following is an entry in ClinVar:

NM_052865.4(MGME1):c.864+270C>T

Gene: MGME1 (mitochondrial genome maintenance exonuclease 1; plus strand). Cytogenetic location: 20p11.23.
Variant type: single nucleotide variant.
Coding change: c.864+270C>T on transcript NM_052865.4 (MANE Select); 270 bases into the intron after coding-DNA position 864, C replaced by T.
Molecular consequence: intron variant.
Genome position (GRCh38, 1-based): chr20:17,988,568, C>T. VCF-style: chr20-17988568-C-T. GRCh37 (hg19) VCF-style: chr20-17969211-C-T.
Other names: NC_000020.10:g.17969211C>T; c.909+270C>T (NM_001310338.2); c.512-1371C>T (NM_001310339.2); c.624+270C>T (NM_001363738.2).
Identifiers: ClinVar variation 684258 (VCV000684258.2), dbSNP rs11906337, ClinGen allele CA14806046.

ClinVar aggregate classification (germline): Benign (1 of 4 stars; one submission).

Allele frequency attached by ClinVar (database versions not stated): gnomAD 0.28887 and 0.29119; 1000 Genomes Project 0.29233; 1000 Genomes Project 30x 0.29263; TOPMed 0.30060.
gnomAD v4.1: 42,941 of 149,044 alleles (29%); highest among the groups gnomAD compares: African/African-American, 44%; 6,753 homozygotes.

Submissions (18):

GeneDx
Classification: Benign. Last evaluated: 2018-06-14. Review status: criteria provided, single submitter. Criteria: GeneDx Variant Classification (06012015). Collection method: clinical testing. Allele origin: germline. Affected: yes.
Comment: This variant is considered likely benign or benign based on one or more of the following criteria: it is a conservative change, it occurs at a poorly conserved position in the protein, it is predicted to be benign by multiple in silico algorithms, and/or has population frequency not consistent with disease.

Dr. Peter K. Rogan Lab, Western University
No classification provided (evidence only). Condition: Uterine corpus endometrial carcinoma. Review status: no classification provided. Collection method: in vitro. Allele origin: not applicable. Functional consequence: retained intron. Not counted in ClinVar's aggregate classification.

Dr. Peter K. Rogan Lab, Western University
No classification provided (evidence only). Condition: Cervical cancer. Review status: no classification provided. Collection method: in vitro. Allele origin: not applicable. Functional consequence: retained intron. Not counted in ClinVar's aggregate classification.

Dr. Peter K. Rogan Lab, Western University
No classification provided (evidence only). Condition: Cervical cancer. Review status: no classification provided. Collection method: in vitro. Allele origin: not applicable. Functional consequence: retained intron. Not counted in ClinVar's aggregate classification.

Dr. Peter K. Rogan Lab, Western University
No classification provided (evidence only). Condition: Cervical cancer. Review status: no classification provided. Collection method: in vitro. Allele origin: not applicable. Functional consequence: retained intron. Not counted in ClinVar's aggregate classification.

Dr. Peter K. Rogan Lab, Western University
No classification provided (evidence only). Condition: Sarcoma. Review status: no classification provided. Collection method: in vitro. Allele origin: not applicable. Functional consequence: skipped exon. Not counted in ClinVar's aggregate classification.

Dr. Peter K. Rogan Lab, Western University
No classification provided (evidence only). Condition: Sarcoma. Review status: no classification provided. Collection method: in vitro. Allele origin: not applicable. Functional consequence: skipped exon. Not counted in ClinVar's aggregate classification.

Dr. Peter K. Rogan Lab, Western University
No classification provided (evidence only). Condition: Sarcoma. Review status: no classification provided. Collection method: in vitro. Allele origin: not applicable. Functional consequence: retained intron. Not counted in ClinVar's aggregate classification.

Dr. Peter K. Rogan Lab, Western University
No classification provided (evidence only). Condition: Thymoma. Review status: no classification provided. Collection method: in vitro. Allele origin: not applicable. Functional consequence: retained intron. Not counted in ClinVar's aggregate classification.

Dr. Peter K. Rogan Lab, Western University
No classification provided (evidence only). Condition: Cholangiocarcinoma. Review status: no classification provided. Collection method: in vitro. Allele origin: not applicable. Functional consequence: retained intron. Not counted in ClinVar's aggregate classification.

Dr. Peter K. Rogan Lab, Western University
No classification provided (evidence only). Condition: Cholangiocarcinoma. Review status: no classification provided. Collection method: in vitro. Allele origin: not applicable. Functional consequence: skipped exon. Not counted in ClinVar's aggregate classification.

Dr. Peter K. Rogan Lab, Western University
No classification provided (evidence only). Condition: Gastric cancer. Review status: no classification provided. Collection method: in vitro. Allele origin: not applicable. Functional consequence: retained intron. Not counted in ClinVar's aggregate classification.

Dr. Peter K. Rogan Lab, Western University
No classification provided (evidence only). Condition: Uterine carcinosarcoma. Review status: no classification provided. Collection method: in vitro. Allele origin: not applicable. Functional consequence: skipped exon. Not counted in ClinVar's aggregate classification.

Dr. Peter K. Rogan Lab, Western University
No classification provided (evidence only). Condition: Uterine carcinosarcoma. Review status: no classification provided. Collection method: in vitro. Allele origin: not applicable. Functional consequence: skipped exon. Not counted in ClinVar's aggregate classification.

Dr. Peter K. Rogan Lab, Western University
No classification provided (evidence only). Condition: Uterine carcinosarcoma. Review status: no classification provided. Collection method: in vitro. Allele origin: not applicable. Functional consequence: skipped exon, retained intron. Not counted in ClinVar's aggregate classification.

Dr. Peter K. Rogan Lab, Western University
No classification provided (evidence only). Condition: Malignant tumor of esophagus. Review status: no classification provided. Collection method: in vitro. Allele origin: not applicable. Functional consequence: retained intron. Not counted in ClinVar's aggregate classification.

Dr. Peter K. Rogan Lab, Western University
No classification provided (evidence only). Condition: Malignant tumor of esophagus. Review status: no classification provided. Collection method: in vitro. Allele origin: not applicable. Functional consequence: skipped exon. Not counted in ClinVar's aggregate classification.

Dr. Peter K. Rogan Lab, Western University
No classification provided (evidence only). Condition: Malignant tumor of esophagus. Review status: no classification provided. Collection method: in vitro. Allele origin: not applicable. Functional consequence: skipped exon. Not counted in ClinVar's aggregate classification.